The following is an entry in ClinVar:

NM_000817.3(GAD1):c.87C>A (p.Tyr29Ter)

Gene: GAD1 (glutamate decarboxylase 1; plus strand). Cytogenetic location: 2q31.1.
Variant type: single nucleotide variant.
Coding change: c.87C>A on transcript NM_000817.3 (MANE Select); coding-DNA position 87, C replaced by A.
Protein change: p.Tyr29Ter; replaces tyrosine 29 with a stop codon.
Molecular consequence: nonsense.
Genome position (GRCh38, 1-based): chr2:170,822,091, C>A. VCF-style: chr2-170822091-C-A. GRCh37 (hg19) VCF-style: chr2-171678601-C-A.
Other names: c.87C>A, p.Tyr29Ter (NM_013445.4); short protein forms Y29*.
Identifiers: ClinVar variation 4683079 (VCV004683079.1).
Genomic context (GRCh38, chr2:170,822,091, plus strand): 5'-TTTCCCCGCGGTCGGAACCTCCCTAACCGAACCTCTCTCCCTCTCTCTCGTCCTAGCGTA[C>A]GATACCTGGTGCGGCGTGGCCCATGGATGCACCAGAAAACTGGGGCTCAAGATCTGCGGT-3'

ClinVar aggregate classification (germline): Pathogenic (1 of 4 stars; one submission).

Conditions:
Developmental and epileptic encephalopathy 89. Identifiers: MedGen C5436853, MONDO:0030856, OMIM 619124.

gnomAD v4.1: 2 of 1,609,798 alleles (0.00012%); highest among the groups gnomAD compares: Non-Finnish European, 0.000085%; no homozygotes.

Submission:

Dr. Oladnabi Research Group, Golestan University of Medical Sciences
Classification: Pathogenic for Developmental and epileptic encephalopathy 89. Review status: criteria provided, single submitter. Criteria: ACMG Guidelines, 2015. Collection method: clinical testing. Allele origin: germline. Inheritance: Autosomal recessive inheritance. Affected: yes.
Comment: The associated gene is GADI (Glutamic Acid Decarboxylase 1), which catalyzes the production of gamma-aminobutyric acid (GABA) from glutamic acid. This protein is a major autoantigen in insulin-dependent diabetes and is implicated in stiff man syndrome. The mutation occurs at chromosome 2 position chr2:171678601:C>A on transcript NM_000817.3 (exon 3) as c.87C>A, resulting in the protein change p.Y29X (nonsense mutation). Inheritance is autosomal recessive (AR) with homozygous (HOM) zygosity. This variant is linked to Spastic Quadriplegic Cerebral Palsy (OMIM #603513), a non-progressive central nervous system disorder characterized by symmetrical spasticity, developmental delay, and intellectual disability. Key Evidence: ACMG Classification: Pathogenic Computational Support: BayesDel_addAF, FATHMM-MKL, MutationTaster